The following is an entry in ClinVar:

ClinVar aggregate classification (germline): Uncertain significance (1 of 4 stars; one submission).

Conditions:
Inborn genetic diseases. Identifiers: MedGen C0950123, MeSH D030342.

Submission:

Ambry Genetics
Classification: Uncertain significance for Inborn genetic diseases. Last evaluated: 2025-10-21. Review status: criteria provided, single submitter. Criteria: Ambry Variant Classification Scheme 2023. Collection method: clinical testing. Allele origin: germline.
Comment: The p.T92K variant (also known as c.275C>A), located in coding exon 3 of the PAX5 gene, results from a C to A substitution at nucleotide position 275. The threonine at codon 92 is replaced by lysine, an amino acid with similar properties. This amino acid position is conserved. In addition, this alteration is predicted to be deleterious by in silico analysis. Based on the available evidence, the clinical significance of this variant remains unclear.

NM_016734.3(PAX5):c.275C>A (p.Thr92Lys)

Gene: PAX5 (paired box 5; minus strand). Cytogenetic location: 9p13.2.
Variant type: single nucleotide variant.
Coding change: c.275C>A on transcript NM_016734.3 (MANE Select); coding-DNA position 275, C replaced by A.
Protein change: p.Thr92Lys; replaces threonine 92 with lysine.
Molecular consequence: missense variant. On other transcripts: 5 prime UTR variant (2), non-coding transcript variant (2), intron variant (1).
Genome position (GRCh38, 1-based): chr9:37,015,132, G>T on the plus strand (C>A on the coding strand, the complement: PAX5 is on the minus strand). VCF-style: chr9-37015132-G-T. GRCh37 (hg19) VCF-style: chr9-37015129-G-T.
Other names: c.275C>A, p.Thr92Lys (NM_001280547.2, NM_001280548.2, NM_001280549.2 and 4 more transcripts); c.-50C>A (NM_001280551.2, NM_001280556.2); c.212+5504C>A (NM_001280555.2); short protein forms T92K.
Identifiers: ClinVar variation 4626948 (VCV004626948.1).